The following is an entry in ClinVar:

NM_199242.3(UNC13D):c.248G>A (p.Arg83Gln)

Gene: UNC13D (unc-13 homolog D; minus strand). Cytogenetic location: 17q25.1.
Variant type: single nucleotide variant.
Coding change: c.248G>A on transcript NM_199242.3 (MANE Select); coding-DNA position 248, G replaced by A.
Protein change: p.Arg83Gln; replaces arginine 83 with glutamine.
Molecular consequence: missense variant.
Genome position (GRCh38, 1-based): chr17:75,843,172, C>T on the plus strand (G>A on the coding strand, the complement: UNC13D is on the minus strand). VCF-style: chr17-75843172-C-T. GRCh37 (hg19) VCF-style: chr17-73839253-C-T.
Other names: short protein forms R83Q.
Identifiers: ClinVar variation 654031 (VCV000654031.33), dbSNP rs143944122, ClinGen allele CA8773577.

ClinVar aggregate classification (germline): Uncertain significance. Review status: criteria provided, multiple submitters, no conflicts (2 of 4 stars). 3 submissions from 3 submitters: Uncertain significance (3). Last evaluated 2023-10-01.

Conditions:
Familial hemophagocytic lymphohistiocytosis 3 (FHL3). Also called: UNC13D-Related Familial Hemophagocytic Lymphohistiocytosis (UNC13D-fHLH). Identifiers: Orphanet 540, MedGen C1837174, MONDO:0012146, OMIM 608898.

Allele frequency attached by ClinVar (database versions not stated): gnomAD 0.00001; gnomAD exomes 0.00001; TOPMed 0.00001; ExAC 0.00003; ESP Exome Variant Server 0.00008.
gnomAD v4.1: 21 of 1,612,044 alleles (0.0013%); highest among the groups gnomAD compares: South Asian, 0.0033%; no homozygotes.

Submissions (3):

CeGaT Center for Human Genetics Tuebingen
Classification: Uncertain significance. Last evaluated: 2023-10-01. Review status: criteria provided, single submitter. Criteria: CeGaT Center For Human Genetics Tuebingen Variant Classification Criteria Version 2. Collection method: clinical testing. Allele origin: germline. Affected: yes. Observed: 1 variant allele.
Comment: UNC13D: PM2, BP4

Labcorp Genetics (formerly Invitae), Labcorp
Classification: Uncertain significance for Familial hemophagocytic lymphohistiocytosis 3. Last evaluated: 2020-10-15. Review status: criteria provided, single submitter. Criteria: Invitae Variant Classification Sherloc (09022015). Collection method: clinical testing. Allele origin: germline.
Comment: Algorithms developed to predict the effect of missense changes on protein structure and function output the following:¬†SIFT: "Tolerated"; PolyPhen-2: "Benign"; Align-GVGD: "Class C0". The glutamine amino acid residue is found in multiple mammalian species, suggesting that this missense change does not adversely affect protein function. These predictions have not been confirmed by published functional studies and their clinical significance is uncertain. In summary, the available evidence is currently insufficient to determine the role of this variant in disease. Therefore, it has been classified as a Variant of Uncertain Significance. This variant has not been reported in the literature in individuals with UNC13D-related conditions. This variant is present in population databases (rs143944122, ExAC 0.01%). This sequence change replaces arginine with glutamine at codon 83 of the UNC13D protein (p.Arg83Gln). The arginine residue is weakly conserved and there is a small physicochemical difference between arginine and glutamine.

Illumina Laboratory Services, Illumina
Classification: Uncertain significance for Familial hemophagocytic lymphohistiocytosis 3. Last evaluated: 2018-01-12. Review status: criteria provided, single submitter. Criteria: ICSL Variant Classification Criteria 13 December 2019. Collection method: clinical testing. Allele origin: germline.